The following is an entry in ClinVar:

NM_001083962.2(TCF4):c.1292del (p.Gly431fs)

Gene: TCF4 (transcription factor 4; minus strand). Cytogenetic location: 18q21.2.
Variant type: Deletion.
Coding change: c.1292del on transcript NM_001083962.2 (MANE Select); coding-DNA position 1292, one base deleted (G; older notation c.1292delG).
Protein change: p.Gly431fs; shifts the reading frame from glycine 431.
Molecular consequence: frameshift variant.
Genome position (GRCh38, 1-based): chr18:55,254,555, C deleted on the plus strand (G on the coding strand, the reverse complement: TCF4 is on the minus strand); the first of 3 consecutive C bases (chr18:55,254,555-55,254,557); deleting any one gives the same sequence. VCF-style (leftmost placement, unchanged base first): chr18-55254554-AC-A. GRCh37 (hg19) VCF-style: chr18-52921785-AC-A.
Other names: c.1598del, p.Gly533fs (NM_001243226.3); c.1220del, p.Gly407fs (NM_001243227.2, NM_001306207.1, NM_001348217.1 and 5 more transcripts); c.1310del, p.Gly437fs (NM_001243228.2); c.1283del, p.Gly428fs (NM_001243230.2); c.1166del, p.Gly389fs (NM_001243231.2, NM_001348211.2); c.1079del, p.Gly360fs (NM_001243232.1, NM_001306208.1); c.902del, p.Gly301fs (NM_001243233.2, NM_001330605.3, NM_001348212.2 and 1 more transcripts); c.812del, p.Gly271fs (NM_001243234.2, NM_001243235.2, NM_001243236.2 and 1 more transcripts); and 6 more; short protein forms G215fs, G270fs, G301fs, G360fs, G533fs, G408fs, G431fs, G406fs.
Identifiers: ClinVar variation 561127 (VCV000561127.2), dbSNP rs1568471940, ClinGen allele CA658825114.

ClinVar aggregate classification (germline): Pathogenic (1 of 4 stars; one submission).

Conditions:
Pitt-Hopkins syndrome (PTHS). Also called: ENCEPHALOPATHY, SEVERE EPILEPTIC, WITH AUTONOMIC DYSFUNCTION; MENTAL RETARDATION, SYNDROMAL, WITH INTERMITTENT HYPERVENTILATION. Identifiers: Orphanet 2896, MedGen C1970431, MONDO:0012589, OMIM 610954.

Submission:

Baylor Genetics
Classification: Pathogenic for Pitt-Hopkins syndrome. Last evaluated: 2017-09-01. Review status: criteria provided, single submitter. Criteria: ACMG Guidelines, 2015. Collection method: clinical testing. Allele origin: de novo. Inheritance: Autosomal dominant inheritance. Affected: yes.

Literature cited by the submitters: PubMed 25326635.